The following is an entry in ClinVar:

ClinVar aggregate classification (germline): Uncertain significance (1 of 4 stars; one submission).

Conditions:
Dyskeratosis congenita, autosomal dominant 2. Identifiers: MedGen C3151443, MONDO:0013521, OMIM 613989.
Idiopathic Pulmonary Fibrosis. Also called: Idiopathic fibrosing alveolitis, chronic form; idiopathic fibrosing alveolitis. Identifiers: Orphanet 2032, MedGen C1800706, MeSH D054990, MONDO:0800504.

Submission:

Labcorp Genetics (formerly Invitae), Labcorp
Classification: Uncertain significance for Dyskeratosis congenita, autosomal dominant 2; Idiopathic Pulmonary Fibrosis. Last evaluated: 2022-05-14. Review status: criteria provided, single submitter. Criteria: Invitae Variant Classification Sherloc (09022015). Collection method: clinical testing. Allele origin: germline.
Comment: This sequence change replaces arginine, which is basic and polar, with proline, which is neutral and non-polar, at codon 201 of the TERT protein (p.Arg201Pro). In summary, the available evidence is currently insufficient to determine the role of this variant in disease. Therefore, it has been classified as a Variant of Uncertain Significance. Advanced modeling of protein sequence and biophysical properties (such as structural, functional, and spatial information, amino acid conservation, physicochemical variation, residue mobility, and thermodynamic stability) performed at Invitae indicates that this missense variant is not expected to disrupt TERT protein function. This variant has not been reported in the literature in individuals affected with TERT-related conditions. This variant is not present in population databases (gnomAD no frequency).

NM_198253.3(TERT):c.602G>C (p.Arg201Pro)

Gene: TERT (telomerase reverse transcriptase; minus strand). Cytogenetic location: 5p15.33.
Variant type: single nucleotide variant.
Coding change: c.602G>C on transcript NM_198253.3 (MANE Select); coding-DNA position 602, G replaced by C.
Protein change: p.Arg201Pro; replaces arginine 201 with proline.
Molecular consequence: missense variant. On other transcripts: non-coding transcript variant (2).
Genome position (GRCh38, 1-based): chr5:1,294,284, C>G on the plus strand (G>C on the coding strand, the complement: TERT is on the minus strand). VCF-style: chr5-1294284-C-G. GRCh37 (hg19) VCF-style: chr5-1294399-C-G.
Other names: c.602G>C, p.Arg201Pro (NM_001193376.3, NM_003219.1); short protein forms R201P.
Identifiers: ClinVar variation 2183804 (VCV002183804.4), dbSNP rs1060503003, ClinGen allele CA359057222.